The following is an entry in ClinVar:

NM_000350.3(ABCA4):c.2328C>A (p.His776Gln)

Gene: ABCA4 (ATP binding cassette subfamily A member 4; minus strand). Cytogenetic location: 1p22.1.
Variant type: single nucleotide variant.
Coding change: c.2328C>A on transcript NM_000350.3 (MANE Select); coding-DNA position 2328, C replaced by A.
Protein change: p.His776Gln; replaces histidine 776 with glutamine.
Molecular consequence: missense variant.
Genome position (GRCh38, 1-based): chr1:94,056,655, G>T on the plus strand (C>A on the coding strand, the complement: ABCA4 is on the minus strand). VCF-style: chr1-94056655-G-T. GRCh37 (hg19) VCF-style: chr1-94522211-G-T.
Other names: short protein forms H776Q.
Identifiers: ClinVar variation 2072531 (VCV002072531.4), dbSNP rs2523821836, ClinGen allele CA341277764.

ClinVar aggregate classification (germline): Likely pathogenic (1 of 4 stars; one submission).

Submission:

Labcorp Genetics (formerly Invitae), Labcorp
Classification: Likely pathogenic. Last evaluated: 2024-02-23. Review status: criteria provided, single submitter. Criteria: Invitae Variant Classification Sherloc (09022015). Collection method: clinical testing. Allele origin: germline.
Comment: This sequence change replaces histidine, which is basic and polar, with glutamine, which is neutral and polar, at codon 776 of the ABCA4 protein (p.His776Gln). This variant is not present in population databases (gnomAD no frequency). This missense change has been observed in individual(s) with Stargardt disease (Invitae). ClinVar contains an entry for this variant (Variation ID: 2072531). Advanced modeling of protein sequence and biophysical properties (such as structural, functional, and spatial information, amino acid conservation, physicochemical variation, residue mobility, and thermodynamic stability) performed at Invitae indicates that this missense variant is expected to disrupt ABCA4 protein function with a positive predictive value of 95%. In summary, the currently available evidence indicates that the variant is pathogenic, but additional data are needed to prove that conclusively. Therefore, this variant has been classified as Likely Pathogenic.